The following is an entry in ClinVar:

ClinVar aggregate classification (germline): Uncertain significance (1 of 4 stars; one submission).

Conditions:
Malignant hyperthermia, susceptibility to, 1 (MHS1). Also called: RYR1-Related Malignant Hyperthermia Susceptibility; Anesthesia related hyperthermia; Malignant hyperpyrexia; Fulminating hyperpyrexia; Pharmacogenic myopathy; Malignant hyperthermia suceptibility 1. Identifiers: Orphanet 423, MedGen C2930980, MONDO:0007783, OMIM 145600.

Submission:

All of Us Research Program, National Institutes of Health
Classification: Uncertain significance for Malignant hyperthermia, susceptibility to, 1. Last evaluated: 2023-02-24. Review status: criteria provided, single submitter. Criteria: ACMG Guidelines, 2015. Collection method: clinical testing. Allele origin: germline. Inheritance: Autosomal dominant inheritance. Observed: 1 variant allele, 1 heterozygote.
Comment: This missense variant replaces arginine with proline at codon 4187 of the RYR1 protein. Computational prediction suggests that this variant may have deleterious impact on protein structure and function (internally defined REVEL score threshold >= 0.7, PMID: 27666373). To our knowledge, functional studies have not been reported for this variant. This variant has not been reported in individuals affected with RYR1-related disorders in the literature. This variant has not been identified in the general population by the Genome Aggregation Database (gnomAD). The available evidence is insufficient to determine the role of this variant in disease conclusively. Therefore, this variant is classified as a Variant of Uncertain Significance.

This study involves interpretation of variants in research participants for the purpose of population health screening. Participant phenotype was not available at the time of variant classification. Additional details can be found in publication PMID: 35346344, PMCID: PMC8962531

NM_000540.3(RYR1):c.12560G>C (p.Arg4187Pro)

Gene: RYR1 (ryanodine receptor 1; plus strand). Cytogenetic location: 19q13.2.
Variant type: single nucleotide variant.
Coding change: c.12560G>C on transcript NM_000540.3 (MANE Select); coding-DNA position 12560, G replaced by C.
Protein change: p.Arg4187Pro; replaces arginine 4187 with proline.
Molecular consequence: missense variant.
Genome position (GRCh38, 1-based): chr19:38,561,390, G>C. VCF-style: chr19-38561390-G-C. GRCh37 (hg19) VCF-style: chr19-39052030-G-C.
Other names: c.12545G>C, p.Arg4182Pro (NM_001042723.2); short protein forms R4182P, R4187P.
Identifiers: ClinVar variation 3069509 (VCV003069509.1), dbSNP rs767099429, ClinGen allele CA405669674.